The following is an entry in ClinVar:

NM_006231.4(POLE):c.1257G>A (p.Val419=)

Gene: POLE (DNA polymerase epsilon, catalytic subunit; minus strand). Cytogenetic location: 12q24.33.
Variant type: single nucleotide variant.
Coding change: c.1257G>A on transcript NM_006231.4 (MANE Select); coding-DNA position 1257, G replaced by A.
Protein change: p.Val419=; no amino-acid change (valine 419 retained).
Molecular consequence: synonymous variant.
Genome position (GRCh38, 1-based): chr12:132,673,677, C>T on the plus strand (G>A on the coding strand, the complement: POLE is on the minus strand). VCF-style: chr12-132673677-C-T. GRCh37 (hg19) VCF-style: chr12-133250263-C-T.
Identifiers: ClinVar variation 581780 (VCV000581780.22), dbSNP rs1565973352, ClinGen allele CA482722820.

ClinVar aggregate classification (germline): Conflicting classifications of pathogenicity. Review status: criteria provided, conflicting classifications (1 of 4 stars). 4 submissions from 4 submitters: Uncertain significance (1); Likely benign (2). 1 of the submissions does not count toward it. Last evaluated 2025-06-03.

Conditions:
Hereditary cancer-predisposing syndrome. Also called: Neoplastic Syndromes, Hereditary; Hereditary Cancer Syndrome; Tumor predisposition; Hereditary neoplastic syndrome. Identifiers: Orphanet 140162, MedGen C0027672, MeSH D009386, MONDO:0015356.
POLE-related disorder. Also called: POLE-related condition; POLE-related disorders.

Allele frequency attached by ClinVar (database versions not stated): TOPMed below 0.00001.

Submissions (4):

Labcorp Genetics (formerly Invitae), Labcorp
Classification: Likely benign. Last evaluated: 2025-06-03. Review status: criteria provided, single submitter. Criteria: Invitae Variant Classification Sherloc (09022015). Collection method: clinical testing. Allele origin: germline.

GeneDx
Classification: Uncertain significance. Last evaluated: 2022-02-22. Review status: criteria provided, single submitter. Criteria: GeneDx Variant Classification Process June 2021. Collection method: clinical testing. Allele origin: germline. Affected: yes.
Comment: Not observed at significant frequency in large population cohorts (gnomAD); In silico analysis supports that this variant does not alter splicing; Has not been previously published as pathogenic or benign to our knowledge

Ambry Genetics
Classification: Likely benign for Hereditary cancer-predisposing syndrome. Last evaluated: 2019-09-01. Review status: criteria provided, single submitter. Criteria: Ambry Variant Classification Scheme 2023. Collection method: clinical testing. Allele origin: germline.

PreventionGenetics, part of Exact Sciences
Classification: Uncertain significance for POLE-related condition. Last evaluated: 2023-12-21. Review status: no assertion criteria provided. Collection method: clinical testing. Allele origin: germline. Not counted in ClinVar's aggregate classification.
Comment: The POLE c.1257G>A variant is not predicted to result in an amino acid change (p.=). To our knowledge, this variant has not been reported in the literature or in a large population database, indicating this variant is rare. It has conflicting interpretations of likely benign and uncertain significance in ClinVar. At this time, the clinical significance of this variant is uncertain due to the absence of conclusive functional and genetic evidence